The following is an entry in ClinVar:

ClinVar aggregate classification (germline): Uncertain significance (1 of 4 stars; one submission).

gnomAD v4.1: 7 of 1,612,566 alleles (0.00043%); highest among the groups gnomAD compares: African/African-American, 0.008%; no homozygotes.

Submission:

GeneDx
Classification: Uncertain significance. Last evaluated: 2024-06-28. Review status: criteria provided, single submitter. Criteria: GeneDx Variant Classification Process June 2021. Collection method: clinical testing. Allele origin: germline. Affected: yes.
Comment: Not observed at significant frequency in large population cohorts (gnomAD); In silico analysis supports that this missense variant has a deleterious effect on protein structure/function; Has not been previously published as pathogenic or benign to our knowledge

NM_206965.2(FTCD):c.128C>T (p.Ser43Phe)

Gene: FTCD (formimidoyltransferase cyclodeaminase; minus strand). Cytogenetic location: 21q22.3.
Variant type: single nucleotide variant.
Coding change: c.128C>T on transcript NM_206965.2 (MANE Select); coding-DNA position 128, C replaced by T.
Protein change: p.Ser43Phe; replaces serine 43 with phenylalanine.
Molecular consequence: missense variant.
Genome position (GRCh38, 1-based): chr21:46,154,259, G>A on the plus strand (C>T on the coding strand, the complement: FTCD is on the minus strand). VCF-style: chr21-46154259-G-A. GRCh37 (hg19) VCF-style: chr21-47574173-G-A.
Other names: c.128C>T, p.Ser43Phe (NM_001320412.2, NM_006657.3); short protein forms S43F.
Identifiers: ClinVar variation 3392805 (VCV003392805.1).